The following is an entry in ClinVar:

ClinVar aggregate classification (germline): Uncertain significance (1 of 4 stars; one submission).

Submission:

GeneDx
Classification: Uncertain significance. Last evaluated: 2024-11-15. Review status: criteria provided, single submitter. Criteria: GeneDx Variant Classification Process June 2021. Collection method: clinical testing. Allele origin: germline. Affected: yes.
Comment: Not observed at significant frequency in large population cohorts (gnomAD); Missense variants in this gene are a common cause of disease and they are underrepresented in the general population; In silico analysis supports that this missense variant has a deleterious effect on protein structure/function; Has not been previously published as pathogenic or benign to our knowledge; This variant is associated with the following publications: (PMID: 29493581)

NM_005633.4(SOS1):c.3790C>G (p.Pro1264Ala)

Gene: SOS1 (SOS Ras/Rac guanine nucleotide exchange factor 1; minus strand). Cytogenetic location: 2p22.1.
Variant type: single nucleotide variant.
Coding change: c.3790C>G on transcript NM_005633.4 (MANE Select); coding-DNA position 3790, C replaced by G.
Protein change: p.Pro1264Ala; replaces proline 1264 with alanine.
Molecular consequence: missense variant.
Genome position (GRCh38, 1-based): chr2:38,986,036, G>C on the plus strand (C>G on the coding strand, the complement: SOS1 is on the minus strand). VCF-style: chr2-38986036-G-C. GRCh37 (hg19) VCF-style: chr2-39213177-G-C.
Other names: c.3769C>G, p.Pro1257Ala (NM_001382394.1); c.3745C>G, p.Pro1249Ala (NM_001382395.1); short protein forms P1249A, P1257A, P1264A.
Identifiers: ClinVar variation 3899711 (VCV003899711.1).